The following is an entry in ClinVar:

NM_006268.5(DPF2):c.198G>C (p.Leu66Phe)

Gene: DPF2 (double PHD fingers 2; plus strand). Cytogenetic location: 11q13.1.
Variant type: single nucleotide variant.
Coding change: c.198G>C on transcript NM_006268.5 (MANE Select); coding-DNA position 198, G replaced by C.
Protein change: p.Leu66Phe; replaces leucine 66 with phenylalanine.
Molecular consequence: missense variant.
Genome position (GRCh38, 1-based): chr11:65,340,970, G>C. VCF-style: chr11-65340970-G-C. GRCh37 (hg19) VCF-style: chr11-65108441-G-C.
Other names: c.198G>C, p.Leu66Phe (NM_001330308.2); short protein forms L66F.
Identifiers: ClinVar variation 2412975 (VCV002412975.3), dbSNP rs2495389828, ClinGen allele CA381249873.
Genomic context (GRCh38, chr11:65,340,970, plus strand): 5'-GTATTACTTTCTAATACTGGGTTAGGGCCTGACTTCTATCTTTCTTCCTGCCACAGGATT[G>C]GCCTCCGGACAGCTGTACTCCTACCCTGCCCGGCGCTGGCGGAAAAAGCGGCGAGCCCAT-3'
Protein context (NP_006259.1, residues 56-76): WMEKRHRGPG[Leu66Phe]ASGQLYSYPA

ClinVar aggregate classification (germline): Uncertain significance (1 of 4 stars; one submission).

Allele frequency attached by ClinVar (database versions not stated): gnomAD exomes below 0.00001.
gnomAD v4.1: 1 of 1,613,950 alleles (0.000062%); highest among the groups gnomAD compares: Non-Finnish European, 0.000085%; no homozygotes.

Submission:

GeneDx
Classification: Uncertain significance. Last evaluated: 2022-07-29. Review status: criteria provided, single submitter. Criteria: GeneDx Variant Classification Process June 2021. Collection method: clinical testing. Allele origin: germline. Affected: yes.
Comment: Not observed at significant frequency in large population cohorts (gnomAD); In silico analysis supports that this missense variant does not alter protein structure/function; Has not been previously published as pathogenic or benign to our knowledge